The following is an entry in ClinVar:

NM_007030.3(TPPP):c.444G>A (p.Ala148=)

Genes: CEP72 (centrosomal protein 72), TPPP (tubulin polymerization promoting protein; minus strand). Cytogenetic location: 5p15.33.
Variant type: single nucleotide variant.
Coding change: c.444G>A on transcript NM_007030.3 (MANE Select); coding-DNA position 444, G replaced by A.
Protein change: p.Ala148=; no amino-acid change (alanine 148 retained).
Molecular consequence: synonymous variant.
Genome position (GRCh38, 1-based): chr5:665,991, C>T on the plus strand (G>A on the coding strand, the complement: TPPP is on the minus strand). VCF-style: chr5-665991-C-T. GRCh37 (hg19) VCF-style: chr5-666106-C-T.
Identifiers: ClinVar variation 724515 (VCV000724515.28), dbSNP rs146377171, ClinGen allele CA3177288.

ClinVar aggregate classification (germline): Likely benign. Review status: criteria provided, multiple submitters, no conflicts (2 of 4 stars). 2 submissions from 2 submitters: Likely benign (2). Last evaluated 2023-03-01.

Allele frequency attached by ClinVar (database versions not stated): 1000 Genomes Project 30x 0.00016; 1000 Genomes Project 0.00020; TOPMed 0.00080; gnomAD exomes 0.00083 and 0.00131; ExAC 0.00095; gnomAD 0.00098 and 0.00099; ESP Exome Variant Server 0.00123.
gnomAD v4.1: 1,240 of 1,386,506 alleles (0.089%); highest among the groups gnomAD compares: Non-Finnish European, 0.03%; 11 homozygotes.

Submissions (2):

CeGaT Center for Human Genetics Tuebingen
Classification: Likely benign. Last evaluated: 2023-03-01. Review status: criteria provided, single submitter. Criteria: CeGaT Center For Human Genetics Tuebingen Variant Classification Criteria Version 2. Collection method: clinical testing. Allele origin: germline. Affected: yes. Observed: 2 variant alleles.
Comment: TPPP: BP4, BP7

Labcorp Genetics (formerly Invitae), Labcorp
Classification: Likely benign. Last evaluated: 2019-12-31. Review status: criteria provided, single submitter. Criteria: Invitae Variant Classification Sherloc (09022015). Collection method: clinical testing. Allele origin: germline.